The following is an entry in ClinVar:

ClinVar aggregate classification (germline): Uncertain significance. Review status: criteria provided, multiple submitters, no conflicts (2 of 4 stars). 3 submissions from 2 submitters: Uncertain significance (3). Last evaluated 2025-11-10.

Conditions:
Weill-Marchesani syndrome. Also called: WM Syndrome; Mesodermal dysmorphodystrophy congenital. Identifiers: Orphanet 3449, MedGen C0265313, MONDO:0018096.
Glaucoma 3, primary congenital, D. Identifiers: Orphanet 98976, MedGen C2751316, MONDO:0013122, OMIM 613086.

Allele frequency attached by ClinVar (database versions not stated): ExAC 0.00002; gnomAD exomes 0.00004; gnomAD 0.00005 and 0.00006; TOPMed 0.00005.
gnomAD v4.1: 70 of 1,613,326 alleles (0.0043%); highest among the groups gnomAD compares: Non-Finnish European, 0.0049%; no homozygotes.

Submissions (3):

Labcorp Genetics (formerly Invitae), Labcorp
Classification: Uncertain significance. Last evaluated: 2025-11-10. Review status: criteria provided, single submitter. Criteria: Invitae Variant Classification Sherloc (09022015). Collection method: clinical testing. Allele origin: germline.
Comment: This sequence change replaces alanine, which is neutral and non-polar, with valine, which is neutral and non-polar, at codon 330 of the LTBP2 protein (p.Ala330Val). This variant is present in population databases (rs780864087, gnomAD 0.007%). This variant has not been reported in the literature in individuals affected with LTBP2-related conditions. ClinVar contains an entry for this variant (Variation ID: 888131). An algorithm developed to predict the effect of missense changes on protein structure and function (PolyPhen-2) suggests that this variant is likely to be tolerated. In summary, the available evidence is currently insufficient to determine the role of this variant in disease. Therefore, it has been classified as a Variant of Uncertain Significance.

Illumina Laboratory Services, Illumina
Classification: Uncertain significance for Weill-Marchesani syndrome. Last evaluated: 2017-04-28. Review status: criteria provided, single submitter. Criteria: ICSL Variant Classification Criteria 13 December 2019. Collection method: clinical testing. Allele origin: germline.

Illumina Laboratory Services, Illumina
Classification: Uncertain significance for Glaucoma 3, primary congenital, D. Last evaluated: 2017-04-28. Review status: criteria provided, single submitter. Criteria: ICSL Variant Classification Criteria 13 December 2019. Collection method: clinical testing. Allele origin: germline.

NM_000428.3(LTBP2):c.989C>T (p.Ala330Val)

Gene: LTBP2 (latent transforming growth factor beta binding protein 2; minus strand). Cytogenetic location: 14q24.3.
Variant type: single nucleotide variant.
Coding change: c.989C>T on transcript NM_000428.3 (MANE Select); coding-DNA position 989, C replaced by T.
Protein change: p.Ala330Val; replaces alanine 330 with valine.
Molecular consequence: missense variant.
Genome position (GRCh38, 1-based): chr14:74,555,535, G>A on the plus strand (C>T on the coding strand, the complement: LTBP2 is on the minus strand). VCF-style: chr14-74555535-G-A. GRCh37 (hg19) VCF-style: chr14-75022238-G-A.
Other names: short protein forms A330V.
Identifiers: ClinVar variation 888131 (VCV000888131.7), dbSNP rs780864087, ClinGen allele CA7270023.